The following is an entry in ClinVar:

NM_001783.4(CD79A):c.263A>G (p.Asn88Ser)

Genes: CD79A (CD79a molecule; plus strand), RPS19-CD79A (RPS19-CD79A readthrough; plus strand). Cytogenetic location: 19q13.2.
Variant type: single nucleotide variant.
Coding change: c.263A>G on transcript NM_001783.4 (MANE Select); coding-DNA position 263, A replaced by G.
Protein change: p.Asn88Ser; replaces asparagine 88 with serine.
Molecular consequence: missense variant.
Genome position (GRCh38, 1-based): chr19:41,879,173, A>G. VCF-style: chr19-41879173-A-G. GRCh37 (hg19) VCF-style: chr19-42383243-A-G.
Other names: c.263A>G, p.Asn88Ser (NM_021601.4); short protein forms N88S.
Identifiers: ClinVar variation 1436473 (VCV001436473.6), dbSNP rs570673845, ClinGen allele CA9465550.

ClinVar aggregate classification (germline): Uncertain significance (1 of 4 stars; one submission).

Conditions:
Agammaglobulinemia 3, autosomal recessive (AGM3). Also called: AGAMMAGLOBULINEMIA 3; AGAMMAGLOBULINEMIA, AUTOSOMAL RECESSIVE, DUE TO CD79A DEFECT. Identifiers: MedGen C3150751, MONDO:0013288, OMIM 613501.

Allele frequency attached by ClinVar (database versions not stated): ExAC 0.00004; gnomAD exomes 0.00004; gnomAD 0.00005; TOPMed 0.00006.

Submission:

Labcorp Genetics (formerly Invitae), Labcorp
Classification: Uncertain significance for Agammaglobulinemia 3, autosomal recessive. Last evaluated: 2022-10-24. Review status: criteria provided, single submitter. Criteria: Invitae Variant Classification Sherloc (09022015). Collection method: clinical testing. Allele origin: germline.
Comment: In summary, the available evidence is currently insufficient to determine the role of this variant in disease. Therefore, it has been classified as a Variant of Uncertain Significance. Algorithms developed to predict the effect of sequence changes on RNA splicing suggest that this variant may disrupt the consensus splice site. Algorithms developed to predict the effect of missense changes on protein structure and function (SIFT, PolyPhen-2, Align-GVGD) all suggest that this variant is likely to be tolerated. ClinVar contains an entry for this variant (Variation ID: 1436473). This variant has not been reported in the literature in individuals affected with CD79A-related conditions. This variant is present in population databases (rs570673845, gnomAD 0.01%). This sequence change replaces asparagine, which is neutral and polar, with serine, which is neutral and polar, at codon 88 of the CD79A protein (p.Asn88Ser).